The following is an entry in ClinVar:

ClinVar aggregate classification (germline): Uncertain significance (1 of 4 stars; one submission).

Conditions:
Familial Mediterranean fever (FMF). Also called: POLYSEROSITIS, FAMILIAL PAROXYSMAL; POLYSEROSITIS, RECURRENT; Periodic peritonitis; Benign paroxysmal peritonitis. Identifiers: Orphanet 342, MedGen C0031069, MONDO:0018088, OMIM 249100. Disease mechanism: gain of function.

Submission:

Labcorp Genetics (formerly Invitae), Labcorp
Classification: Uncertain significance for Familial Mediterranean fever. Last evaluated: 2025-03-12. Review status: criteria provided, single submitter. Criteria: Invitae Variant Classification Sherloc (09022015). Collection method: clinical testing. Allele origin: germline.
Comment: This sequence change replaces aspartic acid, which is acidic and polar, with glutamic acid, which is acidic and polar, at codon 324 of the MEFV protein (p.Asp324Glu). This variant is not present in population databases (gnomAD no frequency). This variant has not been reported in the literature in individuals affected with MEFV-related conditions. An algorithm developed to predict the effect of missense changes on protein structure and function (PolyPhen-2) suggests that this variant is likely to be tolerated. In summary, the available evidence is currently insufficient to determine the role of this variant in disease. Therefore, it has been classified as a Variant of Uncertain Significance.

NM_000243.3(MEFV):c.972C>G (p.Asp324Glu)

Gene: MEFV (MEFV innate immunity regulator, pyrin; minus strand). Cytogenetic location: 16p13.3.
Variant type: single nucleotide variant.
Coding change: c.972C>G on transcript NM_000243.3 (MANE Select); coding-DNA position 972, C replaced by G.
Protein change: p.Asp324Glu; replaces aspartic acid 324 with glutamic acid.
Molecular consequence: missense variant.
Genome position (GRCh38, 1-based): chr16:3,249,719, G>C on the plus strand (C>G on the coding strand, the complement: MEFV is on the minus strand). VCF-style: chr16-3249719-G-C. GRCh37 (hg19) VCF-style: chr16-3299719-G-C.
Other names: c.339C>G, p.Asp113Glu (NM_001198536.2); short protein forms D324E, D113E.
Identifiers: ClinVar variation 4749405 (VCV004749405.1).
Genomic context (GRCh38, chr16:3,249,719, plus strand): 5'-GGCCTGGGGGTGCCCAGAAACTGCCTCGGGGAAGCTGCAGGAATCACGCACACAGGTACC[G>C]TCAACTGGGTCTCCTTCCTGGGCGTGGCAGCGGGGACTCGCAGCCGTGTCTGGTGGCCTT-3'
Protein context (NP_000234.1, residues 314-334): RCHAQEGDPV[Asp324Glu]GTCVRDSCSF